The following is an entry in ClinVar:

NM_014946.4(SPAST):c.606G>A (p.Leu202=)

Gene: SPAST (spastin; plus strand). Cytogenetic location: 2p22.3.
Variant type: single nucleotide variant.
Coding change: c.606G>A on transcript NM_014946.4 (MANE Select); coding-DNA position 606, G replaced by A.
Protein change: p.Leu202=; no amino-acid change (leucine 202 retained).
Molecular consequence: synonymous variant. On other transcripts: intron variant (3).
Genome position (GRCh38, 1-based): chr2:32,098,815, G>A. VCF-style: chr2-32098815-G-A. GRCh37 (hg19) VCF-style: chr2-32323884-G-A.
Other names: c.603G>A, p.Leu201= (NM_001363823.2); c.586+9210G>A (NM_199436.2, NM_001377959.1); c.583+9210G>A (NM_001363875.2).
Identifiers: ClinVar variation 2194988 (VCV002194988.5), dbSNP rs1404393734, ClinGen allele CA425581572.

ClinVar aggregate classification (germline): Likely benign. Review status: criteria provided, multiple submitters, no conflicts (2 of 4 stars). 2 submissions from 2 submitters: Likely benign (2). Last evaluated 2024-12-30.

Conditions:
SPAST-related disorder. Also called: SPAST-related condition.
Hereditary spastic paraplegia 4. Also called: Spastic paraplegia 4, autosomal dominant; Familial spastic paraplegia autosomal dominant 2; Spastic Paraplegia 4. Identifiers: Orphanet 100985, MedGen C1866855, MONDO:0008438, OMIM 182601.

Allele frequency attached by ClinVar (database versions not stated): gnomAD exomes below 0.00001; TOPMed 0.00001; gnomAD 0.00002.
gnomAD v4.1: 9 of 1,612,694 alleles (0.00056%); highest among the groups gnomAD compares: Non-Finnish European, 0.00076%; no homozygotes.

Submissions (2):

PreventionGenetics, part of Exact Sciences
Classification: Likely benign for SPAST-related condition. Last evaluated: 2024-12-30. Review status: criteria provided, single submitter. Criteria: ACMG Guidelines, 2015. Collection method: clinical testing. Allele origin: germline.
Comment: This variant is classified as likely benign based on ACMG/AMP sequence variant interpretation guidelines (Richards et al. 2015 PMID: 25741868, with internal and published modifications).

Labcorp Genetics (formerly Invitae), Labcorp
Classification: Likely benign for Hereditary spastic paraplegia 4. Last evaluated: 2022-09-23. Review status: criteria provided, single submitter. Criteria: Invitae Variant Classification Sherloc (09022015). Collection method: clinical testing. Allele origin: germline.